The following is an entry in ClinVar:

ClinVar aggregate classification (germline): Conflicting classifications of pathogenicity. Review status: criteria provided, conflicting classifications (1 of 4 stars). 2 submissions from 2 submitters: Uncertain significance (1); Likely benign (1). Last evaluated 2025-09-27.

gnomAD v4.1: 32 of 1,171,161 alleles (0.0027%); highest among the groups gnomAD compares: Middle Eastern, 0.048%; no homozygotes.

Submissions (2):

Ambry Genetics
Classification: Uncertain significance. Last evaluated: 2025-09-27. Review status: criteria provided, single submitter. Criteria: Ambry Variant Classification Scheme 2023. Collection method: clinical testing. Allele origin: germline.

CeGaT Center for Human Genetics Tuebingen
Classification: Likely benign. Last evaluated: 2023-03-01. Review status: criteria provided, single submitter. Criteria: CeGaT Center For Human Genetics Tuebingen Variant Classification Criteria Version 2. Collection method: clinical testing. Allele origin: germline. Affected: yes. Observed: 1 variant allele.
Comment: AMMECR1: BS2

NM_015365.3(AMMECR1):c.220C>G (p.Gln74Glu)

Genes: AMMECR1 (AMMECR nuclear protein 1; minus strand), LOC130068555 (ATAC-STARR-seq lymphoblastoid silent region 20940; plus strand). Cytogenetic location: Xq23.
Variant type: single nucleotide variant.
Coding change: c.220C>G on transcript NM_015365.3 (MANE Select); coding-DNA position 220, C replaced by G.
Protein change: p.Gln74Glu; replaces glutamine 74 with glutamic acid.
Molecular consequence: missense variant. On other transcripts: intron variant (1).
Genome position (GRCh38, 1-based): chrX:110,317,852, G>C on the plus strand (C>G on the coding strand, the complement: AMMECR1 is on the minus strand). VCF-style: chrX-110317852-G-C. GRCh37 (hg19) VCF-style: chrX-109561080-G-C.
Other names: c.220C>G (NM_015365.2); c.220C>G, p.Gln74Glu (NM_001025580.2); c.-147-3C>G (NM_001171689.2); short protein forms Q74E.
Identifiers: ClinVar variation 2661192 (VCV002661192.24), dbSNP rs1453532929, ClinGen allele CA414223545.